The following is an entry in ClinVar:

NM_001020658.2(PUM1):c.1084T>A (p.Tyr362Asn)

Gene: PUM1 (pumilio RNA binding family member 1; minus strand). Cytogenetic location: 1p35.2.
Variant type: single nucleotide variant.
Coding change: c.1084T>A on transcript NM_001020658.2 (MANE Select); coding-DNA position 1084, T replaced by A.
Protein change: p.Tyr362Asn; replaces tyrosine 362 with asparagine.
Molecular consequence: missense variant.
Genome position (GRCh38, 1-based): chr1:30,992,464, A>T on the plus strand (T>A on the coding strand, the complement: PUM1 is on the minus strand). VCF-style: chr1-30992464-A-T. GRCh37 (hg19) VCF-style: chr1-31465311-A-T.
Other names: c.1084T>A, p.Tyr362Asn (NM_014676.3); short protein forms Y362N.
Identifiers: ClinVar variation 3363584 (VCV003363584.1).

ClinVar aggregate classification (germline): Uncertain significance (1 of 4 stars; one submission).

gnomAD v4.1: 1 of 1,614,074 alleles (0.000062%); highest among the groups gnomAD compares: African/African-American, 0.0013%; no homozygotes.

Submission:

GeneDx
Classification: Uncertain significance. Last evaluated: 2023-10-31. Review status: criteria provided, single submitter. Criteria: GeneDx Variant Classification Process June 2021. Collection method: clinical testing. Allele origin: germline. Affected: yes.
Comment: Not observed at significant frequency in large population cohorts (gnomAD); In silico analysis supports that this missense variant has a deleterious effect on protein structure/function; Has not been previously published as pathogenic or benign to our knowledge